The following is an entry in ClinVar:

NM_006206.6(PDGFRA):c.388C>A (p.Pro130Thr)

Gene: PDGFRA (platelet derived growth factor receptor alpha; plus strand). Cytogenetic location: 4q12.
Variant type: single nucleotide variant.
Coding change: c.388C>A on transcript NM_006206.6 (MANE Select); coding-DNA position 388, C replaced by A.
Protein change: p.Pro130Thr; replaces proline 130 with threonine.
Molecular consequence: missense variant.
Genome position (GRCh38, 1-based): chr4:54,263,687, C>A. VCF-style: chr4-54263687-C-A. GRCh37 (hg19) VCF-style: chr4-55129854-C-A.
Other names: c.388C>A, p.Pro130Thr (NM_001347827.2, NM_001347829.2); c.463C>A, p.Pro155Thr (NM_001347828.2); c.427C>A, p.Pro143Thr (NM_001347830.2); short protein forms P155T, P143T, P130T.
Identifiers: ClinVar variation 3416425 (VCV003416425.1).
Genomic context (GRCh38, chr4:54,263,687, plus strand): 5'-TTAATGTCTAATAGAGTCTTCATTCTTTTTTAAACCACAGACCCAGATGTAGCCTTTGTA[C>A]CTCTAGGAATGACGGATTATTTAGTCATCGTGGAGGATGATGATTCTGCCATTATACCTT-3'
Protein context (NP_006197.1, residues 120-140): YVPDPDVAFV[Pro130Thr]LGMTDYLVIV

ClinVar aggregate classification (germline): Uncertain significance (1 of 4 stars; one submission).

Conditions:
Hereditary cancer-predisposing syndrome. Also called: Neoplastic Syndromes, Hereditary; Tumor predisposition; Hereditary Cancer Syndrome; Hereditary neoplastic syndrome. Identifiers: Orphanet 140162, MedGen C0027672, MeSH D009386, MONDO:0015356.

Submission:

Ambry Genetics
Classification: Uncertain significance for Hereditary cancer-predisposing syndrome. Last evaluated: 2024-09-23. Review status: criteria provided, single submitter. Criteria: Ambry Variant Classification Scheme 2023. Collection method: clinical testing. Allele origin: germline.
Comment: The p.P130T variant (also known as c.388C>A), located in coding exon 3 of the PDGFRA gene, results from a C to A substitution at nucleotide position 388. The proline at codon 130 is replaced by threonine, an amino acid with highly similar properties. This amino acid position is conserved. In addition, the in silico prediction for this alteration is inconclusive. Based on the available evidence, the clinical significance of this variant remains unclear.